The following is an entry in ClinVar:

NM_024675.4(PALB2):c.405T>C (p.Pro135=)

Gene: PALB2 (partner and localizer of BRCA2; minus strand). Cytogenetic location: 16p12.2.
Variant type: single nucleotide variant.
Coding change: c.405T>C on transcript NM_024675.4 (MANE Select); coding-DNA position 405, T replaced by C.
Protein change: p.Pro135=; no amino-acid change (proline 135 retained).
Molecular consequence: synonymous variant.
Genome position (GRCh38, 1-based): chr16:23,636,141, A>G on the plus strand (T>C on the coding strand, the complement: PALB2 is on the minus strand). VCF-style: chr16-23636141-A-G. GRCh37 (hg19) VCF-style: chr16-23647462-A-G.
Identifiers: ClinVar variation 184637 (VCV000184637.23), dbSNP rs786201586, ClinGen allele CA189530.

ClinVar aggregate classification (germline): Benign/Likely benign. Review status: criteria provided, multiple submitters, no conflicts (2 of 4 stars). 8 submissions from 8 submitters: Benign (1); Likely benign (6). 1 of the submissions does not count toward it. Last evaluated 2025-12-22.

Conditions:
Hereditary cancer-predisposing syndrome. Also called: Hereditary neoplastic syndrome; Neoplastic Syndromes, Hereditary; Tumor predisposition; Hereditary Cancer Syndrome. Identifiers: Orphanet 140162, MedGen C0027672, MeSH D009386, MONDO:0015356.
Familial cancer of breast. Also called: BREAST CANCER, FAMILIAL; Hereditary breast cancer; hereditary breast carcinoma. Identifiers: Orphanet 227535, MedGen C0346153, MONDO:0016419, OMIM 114480. Disease mechanism: loss of function.

Allele frequency attached by ClinVar (database versions not stated): TOPMed below 0.00001; gnomAD 0.00001; gnomAD exomes 0.00001.
gnomAD v4.1: 11 of 1,612,970 alleles (0.00068%); highest among the groups gnomAD compares: Admixed American, 0.005%; no homozygotes.

Submissions (8):

Labcorp Genetics (formerly Invitae), Labcorp
Classification: Likely benign for Familial cancer of breast. Last evaluated: 2025-12-22. Review status: criteria provided, single submitter. Criteria: Invitae Variant Classification Sherloc (09022015). Collection method: clinical testing. Allele origin: germline.

Myriad Genetics, Inc.
Classification: Benign for Familial cancer of breast. Last evaluated: 2025-01-10. Review status: criteria provided, single submitter. Criteria: Myriad Autosomal Dominant, Autosomal Recessive and X-Linked Classification Criteria (2023). Collection method: clinical testing. Allele origin: unknown.
Comment: This variant is considered benign. This variant is a silent/synonymous amino acid change and it is not expected to impact splicing.

Quest Diagnostics Nichols Institute San Juan Capistrano
Classification: Likely benign. Last evaluated: 2020-11-19. Review status: criteria provided, single submitter. Criteria: Quest Diagnostics criteria. Collection method: clinical testing. Allele origin: unknown.

Women's Health and Genetics/Laboratory Corporation of America, LabCorp
Classification: Likely benign. Last evaluated: 2019-07-10. Review status: criteria provided, single submitter. Criteria: LabCorp Variant Classification Summary - May 2015. Collection method: clinical testing. Allele origin: germline.

GeneDx
Classification: Likely benign. Last evaluated: 2017-06-22. Review status: criteria provided, single submitter. Criteria: GeneDx Variant Classification (06012015). Collection method: clinical testing. Allele origin: germline. Affected: yes.
Comment: This variant is considered likely benign or benign based on one or more of the following criteria: it is a conservative change, it occurs at a poorly conserved position in the protein, it is predicted to be benign by multiple in silico algorithms, and/or has population frequency not consistent with disease.

Color Diagnostics, LLC DBA Color Health
Classification: Likely benign for Hereditary cancer-predisposing syndrome. Last evaluated: 2016-09-15. Review status: criteria provided, single submitter. Criteria: ACMG Guidelines, 2015. Collection method: clinical testing. Allele origin: germline.

Ambry Genetics
Classification: Likely benign for Hereditary cancer-predisposing syndrome. Last evaluated: 2015-05-25. Review status: criteria provided, single submitter. Criteria: Ambry Variant Classification Scheme 2023. Collection method: clinical testing. Allele origin: germline.

Department of Pathology and Laboratory Medicine, Sinai Health System
Classification: Likely benign. Review status: no assertion criteria provided. Collection method: clinical testing. Allele origin: unknown. Affected: yes. Observed: 1 variant allele. Study: The Canadian Open Genetics Repository (COGR). Not counted in ClinVar's aggregate classification.
Comment: The PALB2 p.Pro135= variant was not identified in the literature nor was it identified in the Cosmic, MutDB, LOVD 3.0, and Zhejiang Colon Cancer Database; but was identified in dbSNP (ID: rs786201586) â€šÃ„ÃºWith Likely benign alleleâ€šÃ„Ã¹, ClinVar (classified as likely benign by Ambry Genetics and GeneDx), and Clinvitae (2X). The variant was identified in control databases in 2 of 245970 chromosomes at a frequency of 0.000008 increasing the likelihood that this may be a low frequency benign variant in certain populations of origin (Genome Aggregation Consortium Feb 27, 2017). The p.Pro135= variant is not expected to have clinical significance because it does not result in a change of amino acid and is not located in a known consensus splice site. In addition, in silico or computational prediction software programs (SpliceSiteFinder, MaxEntScan, NNSPLICE, GeneSplicer, HumanSpliceFinder) do not predict a difference in splicing. In summary, based on the above information the clinical significance of this variant cannot be determined with certainty at this time although we would lean towards a more benign role for this variant. This variant is classified as likely benign.